The following is an entry in ClinVar:

NM_001358263.1(HK1):c.75+5186G>A

Gene: HK1 (hexokinase 1; plus strand). Cytogenetic location: 10q22.1.
Variant type: single nucleotide variant.
Coding change: c.75+5186G>A on transcript NM_001358263.1 (MANE Plus Clinical); 5186 bases into the intron after coding-DNA position 75, G replaced by A.
Molecular consequence: intron variant.
Genome position (GRCh38, 1-based): chr10:69,300,866, G>A. VCF-style: chr10-69300866-G-A. GRCh37 (hg19) VCF-style: chr10-71060622-G-A.
Other names: c.27+5G>A (NM_033500.2); c.168+5186G>A (NM_001322365.2); c.75+5186G>A (NM_033498.3, NM_033497.3, NM_001322364.2).
Identifiers: ClinVar variation 1330405 (VCV001330405.30), dbSNP rs372970369, ClinGen allele CA5532138.
Genomic context (GRCh38, chr10:69,300,866, plus strand): 5'-AATGTGCACCACTGTGGTGGCGTGGAAAGATGGCAAAAAGAGCCCTGCATGATTTTGTAC[G>A]TAGAAAATCCTGGAATACCCACAAAAACCTATTAGAACTAATAAACAATTTCAGCAAGGT-3'

ClinVar aggregate classification (germline): Benign/Likely benign. Review status: criteria provided, multiple submitters, no conflicts (2 of 4 stars). 2 submissions from 2 submitters: Benign (1); Likely benign (1). Last evaluated 2026-05-01.

Allele frequency attached by ClinVar (database versions not stated): 1000 Genomes Project 30x 0.00156; 1000 Genomes Project 0.00120; gnomAD 0.00019 and 0.00054; TOPMed 0.00028; gnomAD exomes 0.00165; ExAC 0.00198; ESP Exome Variant Server 0.00023.
gnomAD v4.1: 1,383 of 1,453,568 alleles (0.095%); highest among the groups gnomAD compares: South Asian, 1.3%; 12 homozygotes.

Submissions (2):

CeGaT Center for Human Genetics Tuebingen
Classification: Benign. Last evaluated: 2026-05-01. Review status: criteria provided, single submitter. Criteria: CeGaT Center For Human Genetics Tuebingen Variant Classification Criteria Version 2. Collection method: clinical testing. Allele origin: germline. Affected: yes. Observed: 6 variant alleles.
Comment: HK1: PP3, BS1, BS2

ARUP Laboratories, Molecular Genetics and Genomics, ARUP Laboratories
Classification: Likely benign. Last evaluated: 2025-01-10. Review status: criteria provided, single submitter. Criteria: ARUP Molecular Germline Variant Investigation Process 2024. Collection method: clinical testing. Allele origin: germline.